The following is an entry in ClinVar:

ClinVar aggregate classification (germline): Pathogenic (1 of 4 stars; one submission).

Submission:

GeneDx
Classification: Pathogenic. Last evaluated: 2024-12-03. Review status: criteria provided, single submitter. Criteria: GeneDx Variant Classification Process June 2021. Collection method: clinical testing. Allele origin: germline. Affected: yes.
Comment: Canonical splice site variant predicted to result in a null allele in a gene for which loss of function is a known mechanism of disease; Not observed at significant frequency in large population cohorts (gnomAD); This variant is associated with the following publications: (PMID: 28551038, 26481852, 32682237)

NM_001029896.2(WDR45):c.828-1G>C

Gene: WDR45 (WD repeat domain 45; minus strand). Cytogenetic location: Xp11.23.
Variant type: single nucleotide variant.
Coding change: c.828-1G>C on transcript NM_001029896.2 (MANE Select); the canonical splice acceptor site of the intron before coding-DNA position 828, G replaced by C.
Molecular consequence: splice acceptor variant.
Genome position (GRCh38, 1-based): chrX:49,075,282, C>G on the plus strand (G>C on the coding strand, the complement: WDR45 is on the minus strand). VCF-style: chrX-49075282-C-G. GRCh37 (hg19) VCF-style: chrX-48932941-C-G.
Other names: c.831-1G>C (NM_007075.4).
Identifiers: ClinVar variation 3901485 (VCV003901485.1).
Genomic context (GRCh38, chrX:49,075,282, plus strand): 5'-CTCCACTGAGAGTCCACGTACTGCCCAATCATAGGCCCCACCTTGCCCACGCGAGCCAGC[C>G]TGCAGGCAGCACTGGCTAAGCCCAGGTATGGTAAATGGGCAGGGGGACAGGGACACGGTA-3'